The following is an entry in ClinVar:

NM_033064.5(ATCAY):c.394G>A (p.Gly132Arg)

Gene: ATCAY (ATCAY kinesin light chain interacting caytaxin; plus strand). Cytogenetic location: 19p13.3.
Variant type: single nucleotide variant.
Coding change: c.394G>A on transcript NM_033064.5 (MANE Select); coding-DNA position 394, G replaced by A.
Protein change: p.Gly132Arg; replaces glycine 132 with arginine.
Molecular consequence: missense variant.
Genome position (GRCh38, 1-based): chr19:3,907,769, G>A. VCF-style: chr19-3907769-G-A. GRCh37 (hg19) VCF-style: chr19-3907767-G-A.
Other names: short protein forms G132R.
Identifiers: ClinVar variation 2649018 (VCV002649018.24), dbSNP rs200734663, ClinGen allele CA9087153.

ClinVar aggregate classification (germline): Uncertain significance (1 of 4 stars; one submission).

Allele frequency attached by ClinVar (database versions not stated): gnomAD 0.00002; TOPMed 0.00002.

Submission:

CeGaT Center for Human Genetics Tuebingen
Classification: Uncertain significance. Last evaluated: 2023-02-01. Review status: criteria provided, single submitter. Criteria: CeGaT Center For Human Genetics Tuebingen Variant Classification Criteria Version 2. Collection method: clinical testing. Allele origin: germline. Affected: yes. Observed: 1 variant allele.
Comment: ATCAY: PM2